The following is an entry in ClinVar:

ClinVar aggregate classification (germline): Uncertain significance (1 of 4 stars; one submission).

Conditions:
Dyskeratosis congenita. Identifiers: Orphanet 1775, MedGen C0265965, MONDO:0015780.

Allele frequency attached by ClinVar (database versions not stated): TOPMed 0.00003; ExAC 0.00004; gnomAD 0.00004.
gnomAD v4.1: 14 of 1,577,344 alleles (0.00089%); highest among the groups gnomAD compares: African/African-American, 0.0067%; no homozygotes.

Submission:

Labcorp Genetics (formerly Invitae), Labcorp
Classification: Uncertain significance for Dyskeratosis congenita. Last evaluated: 2022-10-17. Review status: criteria provided, single submitter. Criteria: Invitae Variant Classification Sherloc (09022015). Collection method: clinical testing. Allele origin: germline.
Comment: This sequence change replaces proline, which is neutral and non-polar, with leucine, which is neutral and non-polar, at codon 576 of the CTC1 protein (p.Pro576Leu). The frequency data for this variant in the population databases is considered unreliable, as metrics indicate poor data quality at this position in the gnomAD database. This variant has not been reported in the literature in individuals affected with CTC1-related conditions. ClinVar contains an entry for this variant (Variation ID: 1369796). Advanced modeling of protein sequence and biophysical properties (such as structural, functional, and spatial information, amino acid conservation, physicochemical variation, residue mobility, and thermodynamic stability) performed at Invitae indicates that this missense variant is not expected to disrupt CTC1 protein function. In summary, the available evidence is currently insufficient to determine the role of this variant in disease. Therefore, it has been classified as a Variant of Uncertain Significance.

NM_025099.6(CTC1):c.1727C>T (p.Pro576Leu)

Gene: CTC1 (CST telomere replication complex component 1; minus strand). Cytogenetic location: 17p13.1.
Variant type: single nucleotide variant.
Coding change: c.1727C>T on transcript NM_025099.6 (MANE Select); coding-DNA position 1727, C replaced by T.
Protein change: p.Pro576Leu; replaces proline 576 with leucine.
Molecular consequence: missense variant. On other transcripts: non-coding transcript variant (1).
Genome position (GRCh38, 1-based): chr17:8,234,546, G>A on the plus strand (C>T on the coding strand, the complement: CTC1 is on the minus strand). VCF-style: chr17-8234546-G-A. GRCh37 (hg19) VCF-style: chr17-8137864-G-A.
Other names: short protein forms P576L.
Identifiers: ClinVar variation 1369796 (VCV001369796.4), dbSNP rs755218326, ClinGen allele CA8372271.